The following is an entry in ClinVar:

ClinVar aggregate classification (germline): Benign/Likely benign. Review status: criteria provided, multiple submitters, no conflicts (2 of 4 stars). 4 submissions from 4 submitters: Benign (1); Likely benign (3). Last evaluated 2026-01-20.

Conditions:
Hereditary cancer-predisposing syndrome. Also called: Neoplastic Syndromes, Hereditary; Hereditary Cancer Syndrome; Tumor predisposition; Hereditary neoplastic syndrome. Identifiers: Orphanet 140162, MedGen C0027672, MeSH D009386, MONDO:0015356.
Cardiovascular phenotype. Identifiers: MedGen CN230736.

Allele frequency attached by ClinVar (database versions not stated): ExAC 0.00007; gnomAD exomes 0.00008; TOPMed 0.00019; gnomAD 0.00021 and 0.00024; ESP Exome Variant Server 0.00031.

Submissions (4):

Labcorp Genetics (formerly Invitae), Labcorp
Classification: Likely benign. Last evaluated: 2026-01-20. Review status: criteria provided, single submitter. Criteria: Invitae Variant Classification Sherloc (09022015). Collection method: clinical testing. Allele origin: germline.

Mayo Clinic Laboratories, Mayo Clinic
Classification: Likely benign. Last evaluated: 2025-10-02. Review status: criteria provided, single submitter. Criteria: ACMG Guidelines, 2015. Collection method: clinical testing. Allele origin: germline. Observed: 2 variant alleles.
Comment: BP4, BP7

Women's Health and Genetics/Laboratory Corporation of America, LabCorp
Classification: Benign. Last evaluated: 2021-07-03. Review status: criteria provided, single submitter. Criteria: LabCorp Variant Classification Summary - May 2015. Collection method: clinical testing. Allele origin: germline.

Ambry Genetics
Classification: Likely benign for Cardiovascular phenotype; Hereditary cancer-predisposing syndrome. Last evaluated: 2021-01-16. Review status: criteria provided, single submitter. Criteria: Ambry Variant Classification Scheme 2023. Collection method: clinical testing. Allele origin: germline.

NM_006767.4(LZTR1):c.2301C>T (p.Asn767=)

Gene: LZTR1 (leucine zipper like post translational regulator 1; plus strand). Cytogenetic location: 22q11.21.
Variant type: single nucleotide variant.
Coding change: c.2301C>T on transcript NM_006767.4 (MANE Select); coding-DNA position 2301, C replaced by T.
Protein change: p.Asn767=; no amino-acid change (asparagine 767 retained).
Molecular consequence: synonymous variant.
Genome position (GRCh38, 1-based): chr22:20,996,777, C>T. VCF-style: chr22-20996777-C-T. GRCh37 (hg19) VCF-style: chr22-21351066-C-T.
Other names: p.Asn767=.
Identifiers: ClinVar variation 707122 (VCV000707122.14), dbSNP rs112615858, ClinGen allele CA10119333.